The following is an entry in ClinVar:

ClinVar aggregate classification (germline): Uncertain significance. Review status: criteria provided, multiple submitters, no conflicts (2 of 4 stars). 2 submissions from 2 submitters: Uncertain significance (2). Last evaluated 2025-05-04.

Conditions:
KMT2D-related disorder. Also called: KMT2D-Related Disorders.
Inborn genetic diseases. Identifiers: MedGen C0950123, MeSH D030342.

Submissions (2):

Ambry Genetics
Classification: Uncertain significance for Inborn genetic diseases. Last evaluated: 2025-05-04. Review status: criteria provided, single submitter. Criteria: Ambry Variant Classification Scheme 2023. Collection method: clinical testing. Allele origin: germline.

PreventionGenetics, part of Exact Sciences
Classification: Uncertain significance for KMT2D-related condition. Last evaluated: 2024-12-24. Review status: criteria provided, single submitter. Criteria: ACMG Guidelines, 2015. Collection method: clinical testing. Allele origin: germline.
Comment: The KMT2D c.11689T>A variant is predicted to result in the amino acid substitution p.Leu3897Ile. To our knowledge, this variant has not been reported in the literature or in a large population database (gnomAD), indicating this variant is rare. At this time, the clinical significance of this variant is uncertain due to the absence of conclusive functional and genetic evidence.

NM_003482.4(KMT2D):c.11689T>A (p.Leu3897Ile)

Gene: KMT2D (lysine methyltransferase 2D; minus strand). Cytogenetic location: 12q13.12.
Variant type: single nucleotide variant.
Coding change: c.11689T>A on transcript NM_003482.4 (MANE Select); coding-DNA position 11689, T replaced by A.
Protein change: p.Leu3897Ile; replaces leucine 3897 with isoleucine.
Molecular consequence: missense variant.
Genome position (GRCh38, 1-based): chr12:49,033,016, A>T on the plus strand (T>A on the coding strand, the complement: KMT2D is on the minus strand). VCF-style: chr12-49033016-A-T. GRCh37 (hg19) VCF-style: chr12-49426799-A-T.
Other names: short protein forms L3897I.
Identifiers: ClinVar variation 4044501 (VCV004044501.2).